The following is an entry in ClinVar:

ClinVar aggregate classification (germline): Pathogenic/Likely pathogenic. Review status: criteria provided, multiple submitters, no conflicts (2 of 4 stars). 5 submissions from 5 submitters: Pathogenic (1); Likely pathogenic (2). 2 of the submissions do not count toward it. Last evaluated 2025-05-01.

Conditions:
Zellweger spectrum disorders (ZS). Also called: Zellweger syndrome; Zellweger Spectrum Disorder; Zellweger Spectrum; Zellweger Spectrum Disorder (ZSD). Identifiers: Orphanet 912, MedGen C0043459, MONDO:0019609.
Peroxisome biogenesis disorder 1A (Zellweger) (PBD1A). Also called: Zellweger leukodystrophy; Peroxisome biogenesis disorder 1a. Identifiers: MedGen C4721541, MONDO:0008953, OMIM 214100.

Submissions (5):

Natera, Inc.
Classification: Likely pathogenic for Zellweger syndrome. Last evaluated: 2025-05-01. Review status: criteria provided, single submitter. Criteria: Natera Variant Classification Schema (03/2026). Collection method: clinical testing. Allele origin: germline.
Comment: The c.2636_2638delTGT variant in PEX1 is an in-frame deletion predicted to remove leucine at amino acid 879 while preserving the reading frame. This variant is rare in the general population with a frequency below the threshold expected for the associated phenotype(s). This variant has been observed in one or more individuals affected with the associated recessive disease, as either homozygous or compound heterozygous with a second variant (PMID: 21031596). This variant results in a change to the protein length while preserving reading frame, which may disrupt normal protein structure or function. Computational prediction algorithms indicate this variant is likely to affect gene or protein function. Given the available evidence, this variant is classified as Likely Pathogenic.

Labcorp Genetics (formerly Invitae), Labcorp
Classification: Pathogenic for Zellweger spectrum disorders. Last evaluated: 2024-02-19. Review status: criteria provided, single submitter. Criteria: Invitae Variant Classification Sherloc (09022015). Collection method: clinical testing. Allele origin: germline.
Comment: This variant, c.2636_2638del, results in the deletion of 1 amino acid(s) of the PEX1 protein (p.Leu879del), but otherwise preserves the integrity of the reading frame. This variant is not present in population databases (gnomAD no frequency). This variant has been observed in individual(s) with clinical features of Zellweger spectrum disorders (PMID: 21031596; Invitae). In at least one individual the data is consistent with being in trans (on the opposite chromosome) from a pathogenic variant. This variant is also known as c.2633_2635delTGT. ClinVar contains an entry for this variant (Variation ID: 288706). This variant disrupts a region of the PEX1 protein in which other variant(s) (p.Leu879Ser) have been determined to be pathogenic (PMID: 26287655). This suggests that this is a clinically significant region of the protein, and that variants that disrupt it are likely to be disease-causing. For these reasons, this variant has been classified as Pathogenic.

Laboratory of Inherited Metabolic Diseases, Research centre for medical genetics
Classification: Likely pathogenic for Peroxisome biogenesis disorder 1A (Zellweger). Last evaluated: 2022-04-01. Review status: criteria provided, single submitter. Criteria: ACMG Guidelines, 2015. Collection method: clinical testing. Allele origin: inherited. Affected: yes. Observed: 1 variant allele.

Counsyl
Classification: Uncertain significance for Peroxisome biogenesis disorder 1A (Zellweger). Last evaluated: 2018-02-05. Review status: flagged submission. Collection method: clinical testing. Allele origin: unknown. Not counted in ClinVar's aggregate classification.
ClinVar note: Reason: Older claim that does not account for recent evidence

Eurofins Ntd Llc (ga)
Classification: Uncertain significance. Last evaluated: 2016-06-09. Review status: flagged submission. Criteria: EGL Classification Definitions 2015. Collection method: clinical testing. Allele origin: germline. Observed: 1 variant allele, 1 heterozygote. Not counted in ClinVar's aggregate classification.
ClinVar note: Reason: Older claim that does not account for recent evidence

Literature cited by the submitters: PubMed 21031596 (cited by 3 submitters); PubMed 26287655 (cited by Labcorp Genetics (formerly Invitae), Labcorp).

NM_000466.3(PEX1):c.2633TGT[1] (p.Leu879del)

Gene: PEX1 (peroxisomal biogenesis factor 1; minus strand). Cytogenetic location: 7q21.2.
Variant type: Microsatellite.
Coding change: c.2633TGT[1] on transcript NM_000466.3 (MANE Select); one copy of the 3-base unit TGT starting at c.2633; the reference has two copies in a row; one copy, 3 bases deleted; also written c.2636_2638del.
Protein change: p.Leu879del; deletes leucine 879.
Molecular consequence: inframe deletion.
Genome position (GRCh38, 1-based): chr7:92,499,784-92,499,786, ACA deleted on the plus strand (TGT on the coding strand, the reverse complement: PEX1 is on the minus strand); deleting any 3 consecutive bases within chr7:92,499,784-92,499,789 gives the same sequence; the position shown is the placement nearest the transcript's 3' end. VCF-style (leftmost placement, unchanged base first): chr7-92499783-TACA-T. GRCh37 (hg19) VCF-style: chr7-92129097-TACA-T.
Other names: c.2636_2638del (NM_000466.2); c.2462TGT[1], p.Leu822del (NM_001282677.2); c.2009TGT[1], p.Leu671del (NM_001282678.2); c.2636_2638delTGT (NM_000466.3); short protein forms L879del, L822del, L671del.
Identifiers: ClinVar variation 288706 (VCV000288706.15), dbSNP rs886043984, ClinGen allele CA10606193.